The following is an entry in ClinVar:

NM_001267550.2(TTN):c.78937C>T (p.Gln26313Ter)

Genes: TTN-AS1 (TTN antisense RNA 1; plus strand), TTN (titin; minus strand). Cytogenetic location: 2q31.2.
Variant type: single nucleotide variant.
Coding change: c.78937C>T on transcript NM_001267550.2 (MANE Select); coding-DNA position 78937, C replaced by T.
Protein change: p.Gln26313Ter; replaces glutamine 26313 with a stop codon.
Molecular consequence: nonsense.
Genome position (GRCh38, 1-based): chr2:178,567,195, G>A on the plus strand (C>T on the coding strand, the complement: TTN is on the minus strand). VCF-style: chr2-178567195-G-A. GRCh37 (hg19) VCF-style: chr2-179431922-G-A.
Other names: c.74014C>T, p.Gln24672Ter (NM_001256850.1); c.51742C>T, p.Gln17248Ter (NM_003319.4); c.71233C>T, p.Gln23745Ter (NM_133378.4); c.52117C>T, p.Gln17373Ter (NM_133432.3); c.52318C>T, p.Gln17440Ter (NM_133437.4); short protein forms Q17440*, Q17373*, Q24672*, Q17248*, Q23745*, Q26313*.
Identifiers: ClinVar variation 4786575 (VCV004786575.1).

ClinVar aggregate classification (germline): Likely pathogenic (1 of 4 stars; one submission).

Conditions:
Autosomal recessive limb-girdle muscular dystrophy type 2J (LGMDR10). Also called: Limb-girdle muscular dystrophy, type 2J; MUSCULAR DYSTROPHY, LIMB-GIRDLE, AUTOSOMAL RECESSIVE 10. Identifiers: Orphanet 140922, MedGen C1837342, MONDO:0012127, OMIM 608807.
Dilated cardiomyopathy 1G (CMD1G). Identifiers: Orphanet 154, MedGen C1858763, MONDO:0011400, OMIM 604145.

Submission:

Labcorp Genetics (formerly Invitae), Labcorp
Classification: Likely pathogenic for Dilated cardiomyopathy 1G; Autosomal recessive limb-girdle muscular dystrophy type 2J. Last evaluated: 2025-10-31. Review status: criteria provided, single submitter. Criteria: Invitae Variant Classification Sherloc (09022015). Collection method: clinical testing. Allele origin: germline.
Comment: This sequence change creates a premature translational stop signal (p.Gln26313*) in the TTN gene. While this is not anticipated to result in nonsense mediated decay, it is expected to create a truncated TTN protein. This variant is not present in population databases (gnomAD no frequency). This variant has not been reported in the literature in individuals affected with TTN-related conditions. This variant is located in the A band of TTN (PMID: 25589632). Truncating variants in this region are significantly overrepresented in patients affected with dilated cardiomyopathy (PMID: 25589632). Truncating variants in this region have also been reported in individuals affected with autosomal recessive centronuclear myopathy (PMID: 23975875). In summary, the currently available evidence indicates that the variant is pathogenic, but additional data are needed to prove that conclusively. Therefore, this variant has been classified as Likely Pathogenic.

Literature cited by the submitters: PubMed 25589632; PubMed 23975875.